The following is an entry in ClinVar:

ClinVar aggregate classification (germline): Uncertain significance (1 of 4 stars; one submission).

Submission:

Labcorp Genetics (formerly Invitae), Labcorp
Classification: Uncertain significance. Last evaluated: 2024-04-09. Review status: criteria provided, single submitter. Criteria: Invitae Variant Classification Sherloc (09022015). Collection method: clinical testing. Allele origin: germline.
Comment: This sequence change replaces methionine, which is neutral and non-polar, with threonine, which is neutral and polar, at codon 1484 of the CACNA1D protein (p.Met1484Thr). This variant is not present in population databases (gnomAD no frequency). This variant has not been reported in the literature in individuals affected with CACNA1D-related conditions. ClinVar contains an entry for this variant (Variation ID: 1969445). Advanced modeling of protein sequence and biophysical properties (such as structural, functional, and spatial information, amino acid conservation, physicochemical variation, residue mobility, and thermodynamic stability) performed at Invitae indicates that this missense variant is expected to disrupt CACNA1D protein function with a positive predictive value of 80%. In summary, the available evidence is currently insufficient to determine the role of this variant in disease. Therefore, it has been classified as a Variant of Uncertain Significance.

NM_001128840.3(CACNA1D):c.4391T>C (p.Met1464Thr)

Gene: CACNA1D (calcium voltage-gated channel subunit alpha1 D; plus strand). Cytogenetic location: 3p21.1.
Variant type: single nucleotide variant.
Coding change: c.4391T>C on transcript NM_001128840.3 (MANE Select); coding-DNA position 4391, T replaced by C.
Protein change: p.Met1464Thr; replaces methionine 1464 with threonine.
Molecular consequence: missense variant.
Genome position (GRCh38, 1-based): chr3:53,776,631, T>C. VCF-style: chr3-53776631-T-C. GRCh37 (hg19) VCF-style: chr3-53810658-T-C.
Other names: c.4451T>C, p.Met1484Thr (NM_000720.4); c.4346T>C, p.Met1449Thr (NM_001128839.3); short protein forms M1449T, M1484T, M1464T.
Identifiers: ClinVar variation 1969445 (VCV001969445.5), dbSNP rs2474253595, ClinGen allele CA353242781.